The following is an entry in ClinVar:

ClinVar aggregate classification (germline): Likely benign (1 of 4 stars; one submission).

Allele frequency attached by ClinVar (database versions not stated): 1000 Genomes Project 0.00559; 1000 Genomes Project 30x 0.00640; ESP Exome Variant Server 0.00914.

Submission:

GeneDx
Classification: Likely benign. Last evaluated: 2019-11-29. Review status: criteria provided, single submitter. Criteria: GeneDx Variant Classification Process June 2021. Collection method: clinical testing. Allele origin: germline. Affected: yes.
Comment: See Variant Classification Assertion Criteria.

NM_004628.5(XPC):c.412+34G>A

Gene: XPC (XPC complex subunit, DNA damage recognition and repair factor; minus strand). Cytogenetic location: 3p25.1.
Variant type: single nucleotide variant.
Coding change: c.412+34G>A on transcript NM_004628.5 (MANE Select); 34 bases into the intron after coding-DNA position 412, G replaced by A.
Molecular consequence: intron variant.
Genome position (GRCh38, 1-based): chr3:14,170,404, C>T on the plus strand (G>A on the coding strand, the complement: XPC is on the minus strand). VCF-style: chr3-14170404-C-T. GRCh37 (hg19) VCF-style: chr3-14211904-C-T.
Other names: c.394+34G>A (NM_001354729.2); c.-44+34G>A (NM_001354726.2); c.412+34G>A (NM_001354730.2, NM_001354727.2).
Identifiers: ClinVar variation 1707117 (VCV001707117.2), dbSNP rs56083992, ClinGen allele CA2267725.
Genomic context (GRCh38, chr3:14,170,404, plus strand): 5'-AAAAGGATTGCAATTAGTGATCTGACTCCAAACAGAATCAAACAAAAAAACAAACAGAAC[C>T]AAACAGTTCTGAAAACAAAGAAAGATGTTTCACCTTCAACCTCTTCCCAATCATTTTCAC-3'